The following is an entry in ClinVar:

ClinVar aggregate classification (germline): Uncertain significance. Review status: criteria provided, multiple submitters, no conflicts (2 of 4 stars). 2 submissions from 2 submitters: Uncertain significance (2). Last evaluated 2025-06-17.

Conditions:
Inborn genetic diseases. Identifiers: MedGen C0950123, MeSH D030342.

Allele frequency attached by ClinVar (database versions not stated): ExAC 0.00003; gnomAD exomes 0.00004 and 0.00005; TOPMed 0.00003; gnomAD 0.00004.
gnomAD v4.1: 74 of 1,614,072 alleles (0.0046%); highest among the groups gnomAD compares: Non-Finnish European, 0.006%; no homozygotes.

Submissions (2):

Labcorp Genetics (formerly Invitae), Labcorp
Classification: Uncertain significance. Last evaluated: 2025-06-17. Review status: criteria provided, single submitter. Criteria: Invitae Variant Classification Sherloc (09022015). Collection method: clinical testing. Allele origin: germline.
Comment: This sequence change replaces threonine, which is neutral and polar, with alanine, which is neutral and non-polar, at codon 874 of the FAT4 protein (p.Thr874Ala). This variant is present in population databases (rs200064090, gnomAD 0.009%). This variant has not been reported in the literature in individuals affected with FAT4-related conditions. ClinVar contains an entry for this variant (Variation ID: 1412903). Invitae Evidence Modeling of protein sequence and biophysical properties (such as structural, functional, and spatial information, amino acid conservation, physicochemical variation, residue mobility, and thermodynamic stability) indicates that this missense variant is not expected to disrupt FAT4 protein function with a negative predictive value of 80%. In summary, the available evidence is currently insufficient to determine the role of this variant in disease. Therefore, it has been classified as a Variant of Uncertain Significance.

Ambry Genetics
Classification: Uncertain significance for Inborn genetic diseases. Last evaluated: 2023-10-02. Review status: criteria provided, single submitter. Criteria: Ambry Variant Classification Scheme 2023. Collection method: clinical testing. Allele origin: germline.

NM_001291303.3(FAT4):c.2620A>G (p.Thr874Ala)

Gene: FAT4 (FAT atypical cadherin 4; plus strand). Cytogenetic location: 4q28.1.
Variant type: single nucleotide variant.
Coding change: c.2620A>G on transcript NM_001291303.3 (MANE Select); coding-DNA position 2620, A replaced by G.
Protein change: p.Thr874Ala; replaces threonine 874 with alanine.
Molecular consequence: missense variant.
Genome position (GRCh38, 1-based): chr4:125,319,031, A>G. VCF-style: chr4-125319031-A-G. GRCh37 (hg19) VCF-style: chr4-126240186-A-G.
Other names: c.2620A>G, p.Thr874Ala (NM_001291285.3, NM_024582.6); c.2620A>G (NM_024582.4); short protein forms T874A.
Identifiers: ClinVar variation 1412903 (VCV001412903.8), dbSNP rs200064090, ClinGen allele CA3072185.